The following is an entry in ClinVar:

ClinVar aggregate classification (germline): Pathogenic. Review status: criteria provided, multiple submitters, no conflicts (2 of 4 stars). 4 submissions from 4 submitters: Pathogenic (3). 1 of the submissions does not count toward it. Last evaluated 2025-12-06.

Conditions:
Hereditary spastic paraplegia 11. Also called: SPASTIC PARAPLEGIA, AUTOSOMAL RECESSIVE, COMPLICATED, WITH THIN CORPUS CALLOSUM; SPASTIC PARAPLEGIA, AUTOSOMAL RECESSIVE, WITH MENTAL IMPAIRMENT AND THIN CORPUS CALLOSUM; Nakamura Osame syndrome; Autosomal recessive hereditary spastic paraplegia, mental impairment, and thin corpus callosum; Spastic Paraplegia 11; Spastic paraplegia, mental retardation and thin corpus callosum. Identifiers: Orphanet 2822, MedGen C1858479, MONDO:0011445, OMIM 604360.

Allele frequency attached by ClinVar (database versions not stated): TOPMed below 0.00001.
gnomAD v4.1: 5 of 1,613,436 alleles (0.00031%); highest among the groups gnomAD compares: Admixed American, 0.0033%; no homozygotes.

Submissions (4):

3billion
Classification: Pathogenic for Hereditary spastic paraplegia 11. Last evaluated: 2025-12-06. Review status: criteria provided, single submitter. Criteria: ACMG Guidelines, 2015. Collection method: clinical testing. Allele origin: germline. Affected: yes.
Comment: The variant is observed at an extremely low frequency in the gnomAD v4.1.0 dataset (total allele frequency: <0.001%). Predicted Consequence/Location: Canonical splice site: predicted to alter splicing and result in a loss or disruption of normal protein function. Multiple pathogenic loss-of-function variants are reported downstream of the variant. In silico tools predict the variant to alter splicing and produce an abnormal transcript [SpliceAI: 0.91 (spliceogenicity >=0.2, non-spliceogenicity <0.1)]. The variant has been reported at least twice as pathogenic with clinical assertions and evidence for the classification (ClinVar ID: VCV000041367 /PMID: 18079167 /3billion dataset). Therefore, this variant is classified as Pathogenic according to the recommendation of ACMG/AMP guideline.

Labcorp Genetics (formerly Invitae), Labcorp
Classification: Pathogenic for Hereditary spastic paraplegia 11. Last evaluated: 2023-02-11. Review status: criteria provided, single submitter. Criteria: Invitae Variant Classification Sherloc (09022015). Collection method: clinical testing. Allele origin: germline.
Comment: For these reasons, this variant has been classified as Pathogenic. Algorithms developed to predict the effect of sequence changes on RNA splicing suggest that this variant may disrupt the consensus splice site. ClinVar contains an entry for this variant (Variation ID: 41367). Disruption of this splice site has been observed in individual(s) with autosomal recessive hereditary spastic paraplegia (PMID: 18079167). It has also been observed to segregate with disease in related individuals. This variant is not present in population databases (gnomAD no frequency). This sequence change affects a donor splice site in intron 4 of the SPG11 gene. It is expected to disrupt RNA splicing. Variants that disrupt the donor or acceptor splice site typically lead to a loss of protein function (PMID: 16199547), and loss-of-function variants in SPG11 are known to be pathogenic (PMID: 19105190, 20110243, 22154821, 26556829).

Genome-Nilou Lab
Classification: Pathogenic for Hereditary spastic paraplegia 11. Review status: criteria provided, single submitter. Criteria: ACMG Guidelines, 2015. Collection method: clinical testing. Allele origin: germline.

GeneReviews
No classification provided. Condition: Hereditary spastic paraplegia 11. Review status: no classification provided. Collection method: literature only. Allele origin: unknown. Not counted in ClinVar's aggregate classification.

Literature cited by the submitters: PubMed 18079167 (cited by 3 submitters); PubMed 16199547 (cited by Labcorp Genetics (formerly Invitae), Labcorp); PubMed 19105190 (cited by Labcorp Genetics (formerly Invitae), Labcorp); PubMed 20110243 (cited by Labcorp Genetics (formerly Invitae), Labcorp); PubMed 22154821 (cited by Labcorp Genetics (formerly Invitae), Labcorp); PubMed 26556829 (cited by Labcorp Genetics (formerly Invitae), Labcorp); PubMed 20301389 (cited by GeneReviews); NCBI Bookshelf NBK1210 (cited by GeneReviews).

NM_025137.4(SPG11):c.869+1G>A

Gene: SPG11 (SPG11 vesicle trafficking associated, spatacsin; minus strand). Cytogenetic location: 15q21.1.
Variant type: single nucleotide variant.
Coding change: c.869+1G>A on transcript NM_025137.4 (MANE Select); the canonical splice donor site of the intron after coding-DNA position 869, G replaced by A.
Molecular consequence: splice donor variant.
Genome position (GRCh38, 1-based): chr15:44,657,094, C>T on the plus strand (G>A on the coding strand, the complement: SPG11 is on the minus strand). VCF-style: chr15-44657094-C-T. GRCh37 (hg19) VCF-style: chr15-44949292-C-T.
Other names: c.869+1G>A (NM_001411132.1, NM_001160227.2).
Identifiers: ClinVar variation 41367 (VCV000041367.15), dbSNP rs312262721, ClinGen allele CA344399.